The following is an entry in ClinVar:

NM_001077350.3(NPRL3):c.1643G>A (p.Arg548His)

Gene: NPRL3 (NPR3 like, GATOR1 complex subunit; minus strand). Cytogenetic location: 16p13.3.
Variant type: single nucleotide variant.
Coding change: c.1643G>A on transcript NM_001077350.3 (MANE Select); coding-DNA position 1643, G replaced by A.
Protein change: p.Arg548His; replaces arginine 548 with histidine.
Molecular consequence: missense variant.
Genome position (GRCh38, 1-based): chr16:86,772, C>T on the plus strand (G>A on the coding strand, the complement: NPRL3 is on the minus strand). VCF-style: chr16-86772-C-T. GRCh37 (hg19) VCF-style: chr16-136771-C-T.
Other names: c.1106G>A, p.Arg369His (NM_001039476.3); c.1409G>A, p.Arg470His (NM_001243247.2); c.1568G>A, p.Arg523His (NM_001243248.2, NM_001243249.2); short protein forms R548H, R523H, R369H, R470H.
Identifiers: ClinVar variation 579166 (VCV000579166.19), dbSNP rs367598130, ClinGen allele CA7769252.

ClinVar aggregate classification (germline): Uncertain significance. Review status: criteria provided, multiple submitters, no conflicts (2 of 4 stars). 3 submissions from 3 submitters: Uncertain significance (3). Last evaluated 2026-01-12.

Conditions:
Epilepsy, familial focal, with variable foci 3 (FFEVF3). Identifiers: MedGen C4310708, MONDO:0014925, OMIM 617118.

Allele frequency attached by ClinVar (database versions not stated): TOPMed 0.00002; gnomAD 0.00003; gnomAD exomes 0.00006; ESP Exome Variant Server 0.00008; ExAC 0.00013.
gnomAD v4.1: 88 of 1,601,314 alleles (0.0055%); highest among the groups gnomAD compares: Middle Eastern, 0.049%; no homozygotes.

Submissions (3):

Labcorp Genetics (formerly Invitae), Labcorp
Classification: Uncertain significance for Epilepsy, familial focal, with variable foci 3. Last evaluated: 2026-01-12. Review status: criteria provided, single submitter. Criteria: Invitae Variant Classification Sherloc (09022015). Collection method: clinical testing. Allele origin: germline.
Comment: This sequence change replaces arginine, which is basic and polar, with histidine, which is basic and polar, at codon 548 of the NPRL3 protein (p.Arg548His). This variant is present in population databases (rs367598130, gnomAD 0.02%). This variant has not been reported in the literature in individuals affected with NPRL3-related conditions. ClinVar contains an entry for this variant (Variation ID: 579166). Invitae Evidence Modeling of protein sequence and biophysical properties (such as structural, functional, and spatial information, amino acid conservation, physicochemical variation, residue mobility, and thermodynamic stability) indicates that this missense variant is expected to disrupt NPRL3 protein function with a positive predictive value of 80%. In summary, the available evidence is currently insufficient to determine the role of this variant in disease. Therefore, it has been classified as a Variant of Uncertain Significance.

CeGaT Center for Human Genetics Tuebingen
Classification: Uncertain significance. Last evaluated: 2025-10-01. Review status: criteria provided, single submitter. Criteria: CeGaT Center For Human Genetics Tuebingen Variant Classification Criteria Version 2. Collection method: clinical testing. Allele origin: germline. Affected: yes. Observed: 1 variant allele.

GeneDx
Classification: Uncertain significance. Last evaluated: 2023-02-07. Review status: criteria provided, single submitter. Criteria: GeneDx Variant Classification Process June 2021. Collection method: clinical testing. Allele origin: germline. Affected: yes.
Comment: In silico analysis supports that this missense variant has a deleterious effect on protein structure/function; Has not been previously published as pathogenic or benign to our knowledge